The following is an entry in ClinVar:

ClinVar aggregate classification (germline): Uncertain significance (1 of 4 stars; one submission).

Submission:

GeneDx
Classification: Uncertain significance. Last evaluated: 2024-11-06. Review status: criteria provided, single submitter. Criteria: GeneDx Variant Classification Process June 2021. Collection method: clinical testing. Allele origin: germline. Affected: yes.
Comment: Not observed at significant frequency in large population cohorts (gnomAD); Missense variant in a gene in which most reported pathogenic variants are truncating/loss of function; Has not been previously published as pathogenic or benign to our knowledge

NM_001267550.2(TTN):c.46933A>C (p.Lys15645Gln)

Genes: TTN (titin; minus strand), TTN-AS1 (TTN antisense RNA 1; plus strand). Cytogenetic location: 2q31.2.
Variant type: single nucleotide variant.
Coding change: c.46933A>C on transcript NM_001267550.2 (MANE Select); coding-DNA position 46933, A replaced by C.
Protein change: p.Lys15645Gln; replaces lysine 15645 with glutamine.
Molecular consequence: missense variant.
Genome position (GRCh38, 1-based): chr2:178,618,617, T>G on the plus strand (A>C on the coding strand, the complement: TTN is on the minus strand). VCF-style: chr2-178618617-T-G. GRCh37 (hg19) VCF-style: chr2-179483344-T-G.
Other names: c.42010A>C, p.Lys14004Gln (NM_001256850.1); c.19738A>C, p.Lys6580Gln (NM_003319.4); c.39229A>C, p.Lys13077Gln (NM_133378.4); c.20113A>C, p.Lys6705Gln (NM_133432.3); c.20314A>C, p.Lys6772Gln (NM_133437.4); short protein forms K13077Q, K14004Q, K15645Q, K6580Q, K6705Q, K6772Q.
Identifiers: ClinVar variation 3898912 (VCV003898912.1).